The following is an entry in ClinVar:

NM_001267550.2(TTN):c.44014+2T>C

Gene: TTN (titin; minus strand). Cytogenetic location: 2q31.2.
Variant type: single nucleotide variant.
Coding change: c.44014+2T>C on transcript NM_001267550.2 (MANE Select); the canonical splice donor site of the intron after coding-DNA position 44014, T replaced by C.
Molecular consequence: splice donor variant.
Genome position (GRCh38, 1-based): chr2:178,631,032, A>G on the plus strand (T>C on the coding strand, the complement: TTN is on the minus strand). VCF-style: chr2-178631032-A-G. GRCh37 (hg19) VCF-style: chr2-179495759-A-G.
Other names: c.16819+2T>C (NM_003319.4); c.17395+2T>C (NM_133437.4); c.17194+2T>C (NM_133432.3); c.36310+2T>C (NM_133378.4); c.39091+2T>C (NM_001256850.1).
Identifiers: ClinVar variation 3756616 (VCV003756616.2).
Genomic context (GRCh38, chr2:178,631,032, plus strand): 5'-ATTAGCCTCTGGCACAAATAACCCCAATGCTTCAAGAGTGAAACTCATGGAAATTTCCTT[A>G]CCCTCAATGTCAAGTTTTCCTGAGGTCTTATCTGTCCCACAGTCACAGGTGTACTGTCCA-3'

ClinVar aggregate classification (germline): Likely pathogenic (1 of 4 stars; one submission).

Conditions:
Dilated cardiomyopathy 1G (CMD1G). Identifiers: Orphanet 154, MedGen C1858763, MONDO:0011400, OMIM 604145.
Autosomal recessive limb-girdle muscular dystrophy type 2J (LGMDR10). Also called: Limb-girdle muscular dystrophy, type 2J; MUSCULAR DYSTROPHY, LIMB-GIRDLE, AUTOSOMAL RECESSIVE 10. Identifiers: Orphanet 140922, MedGen C1837342, MONDO:0012127, OMIM 608807.

gnomAD v4.1: 1 of 1,612,974 alleles (0.000062%); highest among the groups gnomAD compares: Non-Finnish European, 0.000085%; no homozygotes.

Submission:

Labcorp Genetics (formerly Invitae), Labcorp
Classification: Likely pathogenic for Dilated cardiomyopathy 1G; Autosomal recessive limb-girdle muscular dystrophy type 2J. Last evaluated: 2024-12-04. Review status: criteria provided, single submitter. Criteria: Invitae Variant Classification Sherloc (09022015). Collection method: clinical testing. Allele origin: germline.
Comment: This sequence change affects a donor splice site in intron 237 of the TTN gene. It is expected to disrupt RNA splicing and likely results in a truncated or disrupted TTN protein. This variant is not present in population databases (gnomAD no frequency). This variant has not been reported in the literature in individuals affected with TTN-related conditions. Algorithms developed to predict the effect of sequence changes on RNA splicing suggest that this variant may disrupt the consensus splice site. This variant is located in the I band of TTN (PMID: 25589632). Truncating variants in this region have been reported in individuals affected with autosomal recessive centronuclear myopathy (PMID: 23975875, internal data). Truncating variants in this region have also been identified in individuals affected with autosomal dominant dilated cardiomyopathy and/or cardio-related conditions (PMID: 27869827, 32964742, internal data). In summary, the currently available evidence indicates that the variant is pathogenic, but additional data are needed to prove that conclusively. Therefore, this variant has been classified as Likely Pathogenic.

Literature cited by the submitters: PubMed 25589632; PubMed 23975875; PubMed 27869827; PubMed 32964742.